The following is an entry in ClinVar:

NM_004447.6(EPS8):c.1193T>C (p.Val398Ala)

Gene: EPS8 (EGFR pathway substrate 8, signaling adaptor; minus strand). Cytogenetic location: 12p12.3.
Variant type: single nucleotide variant.
Coding change: c.1193T>C on transcript NM_004447.6 (MANE Select); coding-DNA position 1193, T replaced by C.
Protein change: p.Val398Ala; replaces valine 398 with alanine.
Molecular consequence: missense variant. On other transcripts: non-coding transcript variant (3).
Genome position (GRCh38, 1-based): chr12:15,654,202, A>G on the plus strand (T>C on the coding strand, the complement: EPS8 is on the minus strand). VCF-style: chr12-15654202-A-G. GRCh37 (hg19) VCF-style: chr12-15807136-A-G.
Other names: c.1193T>C, p.Val398Ala (NM_001413831.1, NM_001413832.1, NM_001413833.1 and 2 more transcripts); c.953T>C, p.Val318Ala (NM_001413835.1, NM_001413836.1); c.776T>C, p.Val259Ala (NM_001413837.1); c.413T>C, p.Val138Ala (NM_001413838.1); short protein forms V318A, V259A, V398A, V138A.
Identifiers: ClinVar variation 4795681 (VCV004795681.1).

ClinVar aggregate classification (germline): Uncertain significance (1 of 4 stars; one submission).

gnomAD v4.1: 6 of 1,613,734 alleles (0.00037%); highest among the groups gnomAD compares: Non-Finnish European, 0.00051%; no homozygotes.

Submission:

GeneDx
Classification: Uncertain significance. Last evaluated: 2025-08-12. Review status: criteria provided, single submitter. Criteria: GeneDx Variant Classification Process June 2021. Collection method: clinical testing. Allele origin: germline. Affected: yes.
Comment: Not observed at significant frequency in large population cohorts (gnomAD); In silico analysis suggests that this missense variant does not alter protein structure/function; Has not been previously published as pathogenic or benign to our knowledge